The following is an entry in ClinVar:

ClinVar aggregate classification (germline): Uncertain significance (1 of 4 stars; one submission).

Conditions:
Fibrous dysplasia of jaw (CRBM). Also called: Cherubism. Identifiers: Orphanet 184, MedGen C0008029, MONDO:0007315, OMIM 118400.

gnomAD v4.1: 29 of 1,613,760 alleles (0.0018%); highest among the groups gnomAD compares: African/African-American, 0.0027%; no homozygotes.

Submission:

Labcorp Genetics (formerly Invitae), Labcorp
Classification: Uncertain significance for Fibrous dysplasia of jaw. Last evaluated: 2025-03-25. Review status: criteria provided, single submitter. Criteria: Invitae Variant Classification Sherloc (09022015). Collection method: clinical testing. Allele origin: germline.
Comment: This sequence change replaces alanine, which is neutral and non-polar, with threonine, which is neutral and polar, at codon 72 of the SH3BP2 protein (p.Ala72Thr). This variant is present in population databases (rs776628217, gnomAD 0.01%). This variant has not been reported in the literature in individuals affected with SH3BP2-related conditions. Invitae Evidence Modeling of protein sequence and biophysical properties (such as structural, functional, and spatial information, amino acid conservation, physicochemical variation, residue mobility, and thermodynamic stability) indicates that this missense variant is not expected to disrupt SH3BP2 protein function with a negative predictive value of 95%. In summary, the available evidence is currently insufficient to determine the role of this variant in disease. Therefore, it has been classified as a Variant of Uncertain Significance.

NM_001122681.2(SH3BP2):c.214G>A (p.Ala72Thr)

Gene: SH3BP2 (SH3 domain binding protein 2; plus strand). Cytogenetic location: 4p16.3.
Variant type: single nucleotide variant.
Coding change: c.214G>A on transcript NM_001122681.2 (MANE Select); coding-DNA position 214, G replaced by A.
Protein change: p.Ala72Thr; replaces alanine 72 with threonine.
Molecular consequence: missense variant.
Genome position (GRCh38, 1-based): chr4:2,823,012, G>A. VCF-style: chr4-2823012-G-A. GRCh37 (hg19) VCF-style: chr4-2824739-G-A.
Other names: c.298G>A, p.Ala100Thr (NM_001145855.2); c.385G>A, p.Ala129Thr (NM_001145856.2); c.214G>A, p.Ala72Thr (NM_003023.4); short protein forms A72T, A129T, A100T.
Identifiers: ClinVar variation 4744834 (VCV004744834.1).
Genomic context (GRCh38, chr4:2,823,012, plus strand): 5'-ATCATCCACAAACGCTGCGTCTACTACTTCAAGAGTAGCACCTCTGCCTCCCCGCAGGGC[G>A]CCTTCTCCCTGAGTGGCTATAACCGGTAAGTGCCCGACCTGCCTGCTGACCTCGGGCCCC-3'
Protein context (NP_001116153.1, residues 62-82): KSSTSASPQG[Ala72Thr]FSLSGYNRVM